The following is an entry in ClinVar:

ClinVar aggregate classification (germline): Pathogenic (1 of 4 stars; one submission).

Conditions:
Duchenne muscular dystrophy (DMD). Also called: Duchenne Muscular Dystrophy (DMD); MUSCULAR DYSTROPHY, PSEUDOHYPERTROPHIC PROGRESSIVE, DUCHENNE TYPE. Identifiers: Orphanet 98896, MedGen C0013264, MONDO:0010679, OMIM 310200.

Submission:

Labcorp Genetics (formerly Invitae), Labcorp
Classification: Pathogenic for Duchenne muscular dystrophy. Last evaluated: 2019-12-23. Review status: criteria provided, single submitter. Criteria: Invitae Variant Classification Sherloc (09022015). Collection method: clinical testing. Allele origin: germline.
Comment: This variant is an out-of-frame deletion of the genomic region encompassing exons 46-53 of the DMD gene. This is expected to create a premature translational stop signal and result in an absent or disrupted protein product. This variant has been observed in an individual submitted for DMD genetic testing, and in the family member of an individual affected with Duchenne muscular dystrophy (PMID: 17259292, 18752307). Loss-of-function variants in DMD are known to be pathogenic (PMID: 16770791, 25007885). For these reasons, this variant has been classified as Pathogenic.

Literature cited by the submitters: PubMed 18752307; PubMed 17259292.

NC_000023.11:g.(?_31679365)_(31932237_?)del

Gene: DMD (dystrophin; minus strand). Cytogenetic location: Xp21.1.
Variant type: Deletion.
Identifiers: ClinVar variation 831575 (VCV000831575.1).